The following is an entry in ClinVar:

ClinVar aggregate classification (germline): Pathogenic/Likely pathogenic; risk factor. Review status: criteria provided, multiple submitters, no conflicts (2 of 4 stars). 59 submissions from 53 submitters: Pathogenic (40); Likely pathogenic (1). 17 of the submissions do not count toward it. Last evaluated 2026-10-14.

Conditions:
Susceptibility to severe coronavirus disease (COVID-19). Also called: Susceptibility to severe coronavirus disease COVID-19.
SERPINA1-related disorder. Also called: SerpinA1-related disorders; SERPINA1-related condition.
Neurodevelopmental disorder. Identifiers: MedGen C1535926, MeSH D065886, MONDO:0700092.
Inborn genetic diseases. Identifiers: MedGen C0950123, MeSH D030342.
Alpha-1-antitrypsin deficiency (A1ATD). Also called: AAT deficiency; A1AT deficiency; Alpha1-Antitrypsin Deficiency. Identifiers: Orphanet 60, MedGen C0221757, MONDO:0013282, OMIM 613490.
Chronic obstructive pulmonary disease. Also called: Chronic pulmonary obstruction. Identifiers: MedGen C0024117, MeSH D029424, MONDO:0005002, OMIM 606963, HP:0006510.
PI Z(AUGSBURG).
PI Z(TUN).
PI Z.
FRAXE. Also called: Fragile XE syndrome; Intellectual disability, X-linked, FRAXE type; FRAXE Syndrome; Intellectual developmental disorder, X-linked 109; FRAXE intellectual disability. Identifiers: Orphanet 100973, MedGen C0751157, MONDO:0010659, OMIM 309548. Disease mechanism: loss of function.

Allele frequency attached by ClinVar (database versions not stated): 1000 Genomes Project 30x 0.00437; TOPMed 0.01171; 1000 Genomes Project 0.00399; ExAC 0.01170; gnomAD 0.01221 and 0.01282.
gnomAD v4.1: 25,605 of 1,614,142 alleles (1.6%); highest among the groups gnomAD compares: Non-Finnish European, 1.9%; 263 homozygotes.

Submissions 1 to 8 of 59:

GeneDx
Classification: Pathogenic. Last evaluated: 2026-10-14. Review status: criteria provided, single submitter. Criteria: GeneDx Variant Classification Process June 2021. Collection method: clinical testing. Allele origin: germline.
Comment: Accounts for 95% of all clinical cases of alpha-1-antitrypsin deficiency (PMID: 25181470); Published functional studies demonstrate that the E366K variant removes a salt bridge to Lys290 and a hydrogen bond to Thr203, causing misfolding of the protein within the endoplasmic reticulum, which results in a lack of secretion from hepatocytes and a reduction of plasma AAT levels to 10-15% of normal (PMID: 25181470); In silico analysis supports that this missense variant has a deleterious effect on protein structure/function; E366K is commonly referred to as the Z variant or E342K by alternative nomenclature; This variant is associated with the following publications: (PMID: 3495177, 23858502, 31216405, 31028937, 24592811, 26771213, 30739910, 30068662, 34828384, 33726816, 35110524, 28146470, 2339709, 1608473, 22426792, 27959697, 29882371, 24055113, 27535533, 27153395, 26310624, 30068317, 29431110, 6306478, 19083091, 22735536, 23837941, 22975760, 25637381, 19444872, 18340647, 19738092, 20981092, 22912729, 24082139, 21228398, 27246852, 25738741, 2700304, 21067581, 29644095, 29083408, 26647313, 24328305, 31564432, 34426522, 41056947, 25181470, 28121484, 33144682, 35263815, 35433011, 35332129, 32087139, 30254761, 31447099, 31980526, 35786784, 28073160, 32430912, 35753512, 31661293, 38814878, 38589703, 39333051, 38523412, 38057357, 39563277, 38791420)

CeGaT Center for Human Genetics Tuebingen
Classification: Pathogenic. Last evaluated: 2026-09-01. Review status: criteria provided, single submitter. Criteria: CeGaT Center For Human Genetics Tuebingen Variant Classification Criteria Version 2. Collection method: clinical testing. Allele origin: germline. Affected: yes. Observed: 74 variant alleles.
Comment: SERPINA1: PM3:Very Strong, PS3, PM2:Supporting

OLLIN Analises Genomicas, OLLIN
Classification: Pathogenic for Alpha-1-antitrypsin deficiency. Last evaluated: 2026-08-06. Review status: criteria provided, single submitter. Criteria: ACMG Guidelines 2015 PMID 25741868. Collection method: clinical testing. Allele origin: germline. Inheritance: Autosomal recessive inheritance.
Comment: This missense variant, located in exon 5 (of 5), has been reported in ClinVar (accession VCV000626304.2), in gnomAD with an allele frequency of 1.59%, and in the scientific literature, segregating with the phenotype and in compound heterozygosity, in individuals with SERPINA1 related disorders (PMID: 19398551, 3500183, 2904702, 20301692, 29644095, 29618937, 26987331, 19083091, 15978931, 22933512). Functional studies suggest that this variant may affect protein function, and in silico analysis predicts a deleterious effect (PMID: 19398551, 3500183, 2904702). According to the currently available evidence, this variant has been classified as pathogenic (PS3_P, PS4, PM3_VS, PP1, PP3).

Undiagnosed Diseases Network, NIH
Classification: Pathogenic for Alpha-1-antitrypsin deficiency. Last evaluated: 2026-07-28. Review status: criteria provided, single submitter. Criteria: ACMG Guidelines, 2015. Collection method: clinical testing. Allele origin: maternal. Inheritance: Autosomal dominant inheritance. Affected: yes. Observed: 2 variant alleles, 2 heterozygotes. Clinical features observed: Hearing impairment (HP:0000365), Vitiligo (HP:0001045), Syncope (HP:0001279), Cirrhosis of liver (HP:0001394), Hepatic steatosis (HP:0001397), Portal hypertension (HP:0001409), Splenomegaly (HP:0001744), Esophageal varix (HP:0002040), Pulmonary infiltrates (HP:0002113), Frequent falls (HP:0002359), Exertional dyspnea (HP:0002875), Hypercholesterolemia (HP:0003124), and 14 more. Study: Undiagnosed Diseases Network, UDN.

PreventionGenetics, part of Exact Sciences
Classification: Pathogenic for SERPINA1-related condition. Last evaluated: 2026-06-01. Review status: criteria provided, single submitter. Criteria: ACMG Guidelines, 2015. Collection method: clinical testing. Allele origin: germline.
Comment: The SERPINA1 c.1096G>A variant is predicted to result in the amino acid substitution p.Glu366Lys. This variant has been well-documented to be pathogenic for autosomal recessive alpha-1 antitrypsin deficiency (see for example Table 3 of Dorschner et al. 2013. PubMed ID: 24055113). It is known as the Z allele using legacy nomenclature (Stoller et al. 1993. [Updated 2023] PubMed ID: 20301692). This variant is interpreted as pathogenic.

Center for Genomic Medicine, Rigshospitalet, Copenhagen University Hospital
Classification: Pathogenic. Last evaluated: 2026-04-27. Review status: criteria provided, single submitter. Criteria: ACMG Guidelines, 2015. Collection method: clinical testing. Allele origin: germline.

Ambry Genetics
Classification: Pathogenic for Inborn genetic diseases. Last evaluated: 2026-03-19. Review status: criteria provided, single submitter. Criteria: Ambry Variant Classification Scheme 2023. Collection method: clinical testing. Allele origin: germline.
Comment: The c.1096G>A (p.E366K) alteration is located in exon 5 (coding exon 4) of the SERPINA1 gene. This alteration results from a G to A substitution at nucleotide position 1096, causing the glutamic acid (E) at amino acid position 366 to be replaced by a lysine (K). Based on data from gnomAD, the A allele has an overall frequency of 1.123% (3176/282742) total alleles studied. The highest observed frequency was 1.835% (2369/129104) of European (non-Finnish) alleles. This alteration comprises the common deficiency allele PI*Z. The resulting mutant protein polymerizes and aggregates in the endoplasmic reticulum of hepatocytes; in addition, the polymerized protein is resistant to degradation (Carrell, 2002). Individuals with PI*ZZ have severe alpha-1-antitrypsin (AAT) deficiency with an increased risk for pulmonary disease; the risk of symptoms due to this mutation in other genotypes is dependent upon the second allele, serum AAT levels, and exposure to environmental risk factors (K&ouml;hnlein, 2008; Stoller, 2017). The risk for liver disease in childhood for PI*ZZ homozygotes is approximately 2%, but increases if a sibling is also homozygous with liver disease; the reported age-of-onset and rate of adult-onset liver disease is variable, ranging from 2%-40% (Stoller, 2017). This amino acid position is highly conserved in available vertebrate species. The p.E366K amino acid is located at the head of strand 5 of &beta;-sheet A and the base of the mobile reactive loop. This domain is involved in polymer formation and is regulated by secondary factors. This substitution results in the opening of &beta;-sheet A and escaping regulation mechanisms (reviewed in Belorgey, 2007). Functional analysis demonstrated that the p.E366K alteration, also known as the PI*Z allele, causes misfolding, accelerated polymerization, and abnormal accumulation of the protein within the endoplasmic reticulum in hepatocytes, resulting in neonatal or adult liver disease. Only 10-20% of processed protein is observed in serum and reduced levels interfere with the efficiency to protect against proteolytic damage of the lungs from neutrophil serine proteinases, particularly in individuals who smoke (reviewed in Belorgey, 2007). This alteration is predicted to be deleterious by in silico analysis. Based on the available evidence, this alteration is classified as pathogenic.

Institute of Human Genetics, University of Leipzig Medical Center
Classification: Pathogenic for Alpha-1-antitrypsin deficiency. Last evaluated: 2026-03-16. Review status: criteria provided, single submitter. Criteria: ACMG Guidelines, 2015. Collection method: clinical testing. Allele origin: unknown. Inheritance: Autosomal recessive inheritance. Affected: yes.
Comment: Criteria applied: PM3_VSTR,PS3_MOD,PM5,PP3

NM_001127701.1(SERPINA1):c.1096G>A (p.Glu366Lys)

Gene: SERPINA1 (serpin family A member 1; minus strand). Cytogenetic location: 14q32.13.
Variant type: single nucleotide variant.
Coding change: c.1096G>A on transcript NM_001127701.1; coding-DNA position 1096, G replaced by A.
Protein change: p.Glu366Lys; replaces glutamic acid 366 with lysine.
Molecular consequence: missense variant (on NM_000295.5).
Genome position (GRCh38, 1-based): chr14:94,378,610, C>T on the plus strand (G>A on the coding strand, the complement: SERPINA1 is on the minus strand). VCF-style: chr14-94378610-C-T. GRCh37 (hg19) VCF-style: chr14-94844947-C-T.
Other names: E342K; Z allele; PI Z(AUGSBURG); PI Z(TUN); PI*Z; SERPINA1, GLU342LYS ON M1A; SERPINA1, GLU342LYS ON M2; Z; and 2 more; short protein forms E366K.
Identifiers: ClinVar variation 17967 (VCV000017967.120), dbSNP rs28929474, ClinGen allele CA127676.
Genomic context (GRCh38, chr14:94,378,610, plus strand): 5'-GGGGGATAGACATGGGTATGGCCTCTAAAAACATGGCCCCAGCAGCTTCAGTCCCTTTCT[C>T]GTCGATGGTCAGCACAGCCTTATGCACGGCCTGGAGGGGAGAGAAGCAGAGACACGTTGT-3'